The following is an entry in ClinVar:

NM_003470.3(USP7):c.1517C>G (p.Ser506Cys)

Gene: USP7 (ubiquitin specific peptidase 7; minus strand). Cytogenetic location: 16p13.2.
Variant type: single nucleotide variant.
Coding change: c.1517C>G on transcript NM_003470.3 (MANE Select); coding-DNA position 1517, C replaced by G.
Protein change: p.Ser506Cys; replaces serine 506 with cysteine.
Molecular consequence: missense variant. On other transcripts: non-coding transcript variant (1).
Genome position (GRCh38, 1-based): chr16:8,905,243, G>C on the plus strand (C>G on the coding strand, the complement: USP7 is on the minus strand). VCF-style: chr16-8905243-G-C. GRCh37 (hg19) VCF-style: chr16-8999100-G-C.
Other names: c.1469C>G, p.Ser490Cys (NM_001286457.2); c.1220C>G, p.Ser407Cys (NM_001286458.2); c.1343C>G, p.Ser448Cys (NM_001321858.2); short protein forms S407C, S448C, S490C, S506C.
Identifiers: ClinVar variation 1717573 (VCV001717573.5), dbSNP rs2549229117, ClinGen allele CA394701634.
Genomic context (GRCh38, chr16:8,905,243, plus strand): 5'-TCACTCAGTTTTGATTCCCTGATGTAGACTAACATGTAAGCATTAGTGCAGTGTCGAACA[G>C]ACAGGTCGTCATCGTGACCCCCATAATTGTGCTCAATTGCTTCCTCTTTAGTACACCTTG-3'
Protein context (NP_003461.2, residues 496-516): HNYGGHDDDL[Ser506Cys]VRHCTNAYML

ClinVar aggregate classification (germline): Uncertain significance (1 of 4 stars; one submission).

Allele frequency attached by ClinVar (database versions not stated): gnomAD exomes below 0.00001.
gnomAD v4.1: 1 of 1,614,224 alleles (0.000062%); highest among the groups gnomAD compares: Non-Finnish European, 0.000085%; no homozygotes.

Submission:

Labcorp Genetics (formerly Invitae), Labcorp
Classification: Uncertain significance. Last evaluated: 2022-08-22. Review status: criteria provided, single submitter. Criteria: Invitae Variant Classification Sherloc (09022015). Collection method: clinical testing. Allele origin: germline.
Comment: This variant is not present in population databases (gnomAD no frequency). This sequence change replaces serine, which is neutral and polar, with cysteine, which is neutral and slightly polar, at codon 506 of the USP7 protein (p.Ser506Cys). This variant has not been reported in the literature in individuals affected with USP7-related conditions. In summary, the available evidence is currently insufficient to determine the role of this variant in disease. Therefore, it has been classified as a Variant of Uncertain Significance. Algorithms developed to predict the effect of missense changes on protein structure and function are either unavailable or do not agree on the potential impact of this missense change (SIFT: "Tolerated"; PolyPhen-2: "Possibly Damaging"; Align-GVGD: "Class C0").